The following is an entry in ClinVar:

ClinVar aggregate classification (germline): Benign/Likely benign. Review status: criteria provided, multiple submitters, no conflicts (2 of 4 stars). 3 submissions from 3 submitters: Benign (1); Likely benign (2). Last evaluated 2025-12-03.

Conditions:
Hereditary cancer-predisposing syndrome. Also called: Neoplastic Syndromes, Hereditary; Tumor predisposition; Hereditary neoplastic syndrome; Hereditary Cancer Syndrome. Identifiers: Orphanet 140162, MedGen C0027672, MeSH D009386, MONDO:0015356.
Pheochromocytoma/paraganglioma syndrome 5. Also called: Paragangliomas 5; SDHA-Related Hereditary Paraganglioma-Pheochromocytoma Syndrome. Identifiers: Orphanet 29072, MedGen C3279992, MONDO:0013602, OMIM 614165.
Mitochondrial complex II deficiency, nuclear type 1. Also called: SUCCINATE CoQ REDUCTASE DEFICIENCY. Identifiers: Orphanet 3208, MedGen C5700310, MONDO:0100294, OMIM 252011.

Allele frequency attached by ClinVar (database versions not stated): gnomAD exomes below 0.00001; gnomAD 0.00001.
gnomAD v4.1: 5 of 1,612,802 alleles (0.00031%); highest among the groups gnomAD compares: Admixed American, 0.0067%; no homozygotes.

Submissions (3):

Labcorp Genetics (formerly Invitae), Labcorp
Classification: Likely benign for Pheochromocytoma/paraganglioma syndrome 5; Mitochondrial complex II deficiency, nuclear type 1. Last evaluated: 2025-12-03. Review status: criteria provided, single submitter. Criteria: Invitae Variant Classification Sherloc (09022015). Collection method: clinical testing. Allele origin: germline.

Myriad Genetics, Inc.
Classification: Benign for Pheochromocytoma/paraganglioma syndrome 5. Last evaluated: 2025-02-28. Review status: criteria provided, single submitter. Criteria: Myriad Autosomal Dominant, Autosomal Recessive and X-Linked Classification Criteria (2023). Collection method: clinical testing. Allele origin: unknown.
Comment: This variant is considered benign. This variant is a silent/synonymous amino acid change and it is not expected to impact splicing.

Ambry Genetics
Classification: Likely benign for Hereditary cancer-predisposing syndrome. Last evaluated: 2018-09-18. Review status: criteria provided, single submitter. Criteria: Ambry Variant Classification Scheme 2023. Collection method: clinical testing. Allele origin: germline.

NM_004168.4(SDHA):c.471C>T (p.Gly157=)

Gene: SDHA (succinate dehydrogenase complex flavoprotein subunit A; plus strand). Cytogenetic location: 5p15.33.
Variant type: single nucleotide variant.
Coding change: c.471C>T on transcript NM_004168.4 (MANE Select); coding-DNA position 471, C replaced by T.
Protein change: p.Gly157=; no amino-acid change (glycine 157 retained).
Molecular consequence: synonymous variant.
Genome position (GRCh38, 1-based): chr5:225,897, C>T. VCF-style: chr5-225897-C-T. GRCh37 (hg19) VCF-style: chr5-226012-C-T.
Other names: c.327C>T, p.Gly109= (NM_001294332.2); c.471C>T, p.Gly157= (NM_001330758.2).
Identifiers: ClinVar variation 539674 (VCV000539674.15), dbSNP rs1553997722, ClinGen allele CA442691091.
Genomic context (GRCh38, chr5:225,897, plus strand): 5'-ACTCCTTTAAGGTGTTAAGGTTTTTGTTTGTTTTTATCTTTCACAGCTAGAAAATTATGG[C>T]ATGCCGTTTAGCAGAACTGAAGATGGGAAGATTTATCAGCGTGCATTTGGTGGACAGAGC-3'
Protein context (NP_004159.2, residues 147-167): PAAVVELENY[Gly157=]MPFSRTEDGK